The following is an entry in ClinVar:

ClinVar aggregate classification (germline): Uncertain significance. Review status: criteria provided, multiple submitters, no conflicts (2 of 4 stars). 2 submissions from 2 submitters: Uncertain significance (2). Last evaluated 2026-04-21.

Conditions:
Inborn genetic diseases. Identifiers: MedGen C0950123, MeSH D030342.
ABCB11-related disorder. Also called: ABCB11-related condition.

Allele frequency attached by ClinVar (database versions not stated): gnomAD exomes below 0.00001; gnomAD 0.00004; TOPMed 0.00009.
gnomAD v4.1: 9 of 1,611,180 alleles (0.00056%); highest among the groups gnomAD compares: Admixed American, 0.01%; no homozygotes.

Submissions (2):

PreventionGenetics, part of Exact Sciences
Classification: Uncertain significance for ABCB11-related condition. Last evaluated: 2026-04-21. Review status: criteria provided, single submitter. Criteria: ACMG Guidelines, 2015. Collection method: clinical testing. Allele origin: germline.
Comment: The ABCB11 c.707T>C variant is predicted to result in the amino acid substitution p.Phe236Ser. To our knowledge, this variant has not been reported in the literature. This variant is reported in 0.0066% of alleles in individuals of African descent in gnomAD. At this time, the clinical significance of this variant is uncertain due to the absence of conclusive functional and genetic evidence.

Ambry Genetics
Classification: Uncertain significance for Inborn genetic diseases. Last evaluated: 2023-12-09. Review status: criteria provided, single submitter. Criteria: Ambry Variant Classification Scheme 2023. Collection method: clinical testing. Allele origin: germline.

NM_003742.4(ABCB11):c.707T>C (p.Phe236Ser)

Gene: ABCB11 (ATP binding cassette subfamily B member 11; minus strand). Cytogenetic location: 2q31.1.
Variant type: single nucleotide variant.
Coding change: c.707T>C on transcript NM_003742.4 (MANE Select); coding-DNA position 707, T replaced by C.
Protein change: p.Phe236Ser; replaces phenylalanine 236 with serine.
Molecular consequence: missense variant.
Genome position (GRCh38, 1-based): chr2:168,993,787, A>G on the plus strand (T>C on the coding strand, the complement: ABCB11 is on the minus strand). VCF-style: chr2-168993787-A-G. GRCh37 (hg19) VCF-style: chr2-169850297-A-G.
Other names: short protein forms F236S.
Identifiers: ClinVar variation 3120789 (VCV003120789.2), dbSNP rs1001470159, ClinGen allele CA59897108.